The following is an entry in ClinVar:

ClinVar aggregate classification (germline): Uncertain significance. Review status: criteria provided, multiple submitters, no conflicts (2 of 4 stars). 2 submissions from 2 submitters: Uncertain significance (2). Last evaluated 2026-05-20.

Conditions:
Inborn genetic diseases. Identifiers: MedGen C0950123, MeSH D030342.

Submissions (2):

Women's Health and Genetics/Laboratory Corporation of America, LabCorp
Classification: Uncertain significance. Last evaluated: 2026-05-20. Review status: criteria provided, single submitter. Criteria: LabCorp Variant Classification Summary - May 2015. Collection method: clinical testing. Allele origin: germline.
Comment: Variant summary: ANKRD11 c.7022C>T (p.Ala2341Val) results in a non-conservative amino acid change in the encoded protein sequence. Algorithms developed to predict the effect of missense changes on protein structure and function are either unavailable or do not agree on the potential impact of this missense change. The variant allele was found at a frequency of 9.5e-06 in 105392 control chromosomes. The available data on variant occurrences in the general population are insufficient to allow any conclusion about variant significance. To our knowledge, no occurrence of c.7022C>T in individuals affected with ANKRD11-related conditions and no experimental evidence demonstrating its impact on protein function have been reported. ClinVar contains an entry for this variant (Variation ID: 3543711). Based on the evidence outlined above, the variant was classified as uncertain significance.

Ambry Genetics
Classification: Uncertain significance for Inborn genetic diseases. Last evaluated: 2024-11-14. Review status: criteria provided, single submitter. Criteria: Ambry Variant Classification Scheme 2023. Collection method: clinical testing. Allele origin: germline.

NM_013275.6(ANKRD11):c.7022C>T (p.Ala2341Val)

Gene: ANKRD11 (ankyrin repeat domain 11; minus strand). Cytogenetic location: 16q24.3.
Variant type: single nucleotide variant.
Coding change: c.7022C>T on transcript NM_013275.6 (MANE Select); coding-DNA position 7022, C replaced by T.
Protein change: p.Ala2341Val; replaces alanine 2341 with valine.
Molecular consequence: missense variant.
Genome position (GRCh38, 1-based): chr16:89,279,520, G>A on the plus strand (C>T on the coding strand, the complement: ANKRD11 is on the minus strand). VCF-style: chr16-89279520-G-A. GRCh37 (hg19) VCF-style: chr16-89345928-G-A.
Other names: c.7022C>T, p.Ala2341Val (NM_001256182.2, NM_001256183.2); short protein forms A2341V.
Identifiers: ClinVar variation 3543711 (VCV003543711.2).